The following is an entry in ClinVar:

NM_001040142.2(SCN2A):c.1670A>C (p.Gln557Pro)

Gene: SCN2A (sodium voltage-gated channel alpha subunit 2; plus strand). Cytogenetic location: 2q24.3.
Variant type: single nucleotide variant.
Coding change: c.1670A>C on transcript NM_001040142.2 (MANE Select); coding-DNA position 1670, A replaced by C.
Protein change: p.Gln557Pro; replaces glutamine 557 with proline.
Molecular consequence: missense variant.
Genome position (GRCh38, 1-based): chr2:165,315,757, A>C. VCF-style: chr2-165315757-A-C. GRCh37 (hg19) VCF-style: chr2-166172267-A-C.
Other names: c.1670A>C, p.Gln557Pro (NM_001040143.2, NM_001371246.1, NM_001371247.1 and 1 more transcripts); short protein forms Q557P.
Identifiers: ClinVar variation 2580631 (VCV002580631.1), dbSNP rs1404418321, ClinGen allele CA349024140.

ClinVar aggregate classification (germline): Uncertain significance (1 of 4 stars; one submission).

Submission:

GeneDx
Classification: Uncertain significance. Last evaluated: 2023-03-23. Review status: criteria provided, single submitter. Criteria: GeneDx Variant Classification Process June 2021. Collection method: clinical testing. Allele origin: germline. Affected: yes.
Comment: Not observed at significant frequency in large population cohorts (gnomAD); Missense variants in this gene are often considered pathogenic (HGMD); In silico analysis supports that this missense variant has a deleterious effect on protein structure/function; This substitution is predicted to be in the cytoplasmic loop between the first and second homologous domains; Has not been previously published as pathogenic or benign to our knowledge